The following is an entry in ClinVar:

ClinVar aggregate classification (germline): Likely pathogenic (1 of 4 stars; one submission).

Conditions:
Bardet-Biedl syndrome 12 (BBS12). Identifiers: Orphanet 110, MedGen C1859570, MONDO:0014440, OMIM 615989.

Submission:

Natera, Inc.
Classification: Likely pathogenic for Bardet-Biedl syndrome type 12. Last evaluated: 2026-01-26. Review status: criteria provided, single submitter. Criteria: Natera Variant Classification Schema (03/2026). Collection method: clinical testing. Allele origin: germline.
Comment: The c.850A>T variant in BBS12 is a nonsense variant predicted to introduce a stop codon at amino acid 284. This variant is expected to result in nonsense mediated decay, truncation, or a dysfunctional protein product. This variant is rare in the general population with a frequency below the threshold expected for the associated phenotype(s). Given the available evidence, this variant is classified as Likely Pathogenic.

NM_152618.3(BBS12):c.850A>T (p.Lys284Ter)

Gene: BBS12 (Bardet-Biedl syndrome 12; plus strand). Cytogenetic location: 4q27.
Variant type: single nucleotide variant.
Coding change: c.850A>T on transcript NM_152618.3 (MANE Select); coding-DNA position 850, A replaced by T.
Protein change: p.Lys284Ter; replaces lysine 284 with a stop codon.
Molecular consequence: nonsense.
Genome position (GRCh38, 1-based): chr4:122,742,742, A>T. VCF-style: chr4-122742742-A-T. GRCh37 (hg19) VCF-style: chr4-123663897-A-T.
Other names: c.850A>T, p.Lys284Ter (NM_001178007.2); short protein forms K284*.
Identifiers: ClinVar variation 4816892 (VCV004816892.1).